The following is an entry in ClinVar:

NM_020964.3(EPG5):c.772G>T (p.Glu258Ter)

Gene: EPG5 (ectopic P-granules 5 autophagy tethering factor; minus strand). Cytogenetic location: 18q21.1.
Variant type: single nucleotide variant.
Coding change: c.772G>T on transcript NM_020964.3 (MANE Select); coding-DNA position 772, G replaced by T.
Protein change: p.Glu258Ter; replaces glutamic acid 258 with a stop codon.
Molecular consequence: nonsense.
Genome position (GRCh38, 1-based): chr18:45,954,630, C>A on the plus strand (G>T on the coding strand, the complement: EPG5 is on the minus strand). VCF-style: chr18-45954630-C-A. GRCh37 (hg19) VCF-style: chr18-43534596-C-A.
Other names: c.772G>T, p.Glu258Ter (LRG_1234t1); short protein forms E258*.
Identifiers: ClinVar variation 489218 (VCV000489218.2), dbSNP rs1555681647, ClinGen allele CA402351012.
Genomic context (GRCh38, chr18:45,954,630, plus strand): 5'-CTTCTAAATATGACTCAACATTTTCCAGCCATGAACCAGGCTCCAAGATTTTTAGCTGTT[C>A]TTTAGTAAATGGTACTAGTTCCAGTTGAGACGGGAGTTCTGGGTAGAGTCGCTCACTGCG-3'

ClinVar aggregate classification (germline): Pathogenic (1 of 4 stars; one submission).

Allele frequency attached by ClinVar (database versions not stated): gnomAD exomes below 0.00001.
gnomAD v4.1: 1 of 1,614,242 alleles (0.000062%); highest among the groups gnomAD compares: Non-Finnish European, 0.000085%; no homozygotes.

Submission:

GeneDx
Classification: Pathogenic. Last evaluated: 2017-12-18. Review status: criteria provided, single submitter. Criteria: GeneDx Variant Classification (06012015). Collection method: clinical testing. Allele origin: germline. Affected: yes.
Comment: The E258X variant in the EPG5 gene has not been reported previously as a pathogenic variant nor as a benign variant, to our knowledge. This variant is predicted to cause loss of normal protein function either through protein truncation or nonsense-mediated mRNA decay. The E258X variant is not observed in large population cohorts (Lek et al., 2016). We interpret E258X as a pathogenic variant.